The following is an entry in ClinVar:

ClinVar aggregate classification (germline): Benign (1 of 4 stars; one submission).

gnomAD v4.1: 2,993 of 1,611,756 alleles (0.19%); highest among the groups gnomAD compares: Non-Finnish European, 0.24%; 2 homozygotes.

Submission:

CeGaT Center for Human Genetics Tuebingen
Classification: Benign. Last evaluated: 2026-07-01. Review status: criteria provided, single submitter. Criteria: CeGaT Center For Human Genetics Tuebingen Variant Classification Criteria Version 2. Collection method: clinical testing. Allele origin: germline. Affected: yes. Observed: 3 variant alleles.
Comment: MYO19: BS1, BS2

NM_001163735.2(MYO19):c.2746G>A (p.Ala916Thr)

Genes: MYO19 (myosin XIX; minus strand), ZNHIT3 (zinc finger HIT-type containing 3; plus strand). Cytogenetic location: 17q12.
Variant type: single nucleotide variant.
Coding change: c.2746G>A on transcript NM_001163735.2 (MANE Select); coding-DNA position 2746, G replaced by A.
Protein change: p.Ala916Thr; replaces alanine 916 with threonine.
Molecular consequence: missense variant. On other transcripts: non-coding transcript variant (1), 3 prime UTR variant (1).
Genome position (GRCh38, 1-based): chr17:36,498,277, C>T on the plus strand (G>A on the coding strand, the complement: MYO19 is on the minus strand). VCF-style: chr17-36498277-C-T. GRCh37 (hg19) VCF-style: chr17-34854121-C-T.
Other names: c.2146G>A, p.Ala716Thr (NM_025109.6); c.*511C>T (NM_001281432.2); short protein forms A716T, A916T.
Identifiers: ClinVar variation 4083649 (VCV004083649.8).